The following is an entry in ClinVar:

ClinVar aggregate classification (germline): Benign. Review status: criteria provided, single submitter (1 of 4 stars). 2 submissions from 2 submitters: Benign (1). 1 of the submissions does not count toward it. Last evaluated 2026-02-01.

Conditions:
PCGF2-related disorder. Also called: PCGF2-related condition.

Allele frequency attached by ClinVar (database versions not stated): gnomAD exomes 0.00040 and 0.00107; ExAC 0.00136; gnomAD 0.00331 and 0.00352; TOPMed 0.00398; 1000 Genomes Project 30x 0.00406; 1000 Genomes Project 0.00419; ESP Exome Variant Server 0.00469.
gnomAD v4.1: 1,132 of 1,613,214 alleles (0.07%); highest among the groups gnomAD compares: African/African-American, 1.2%; 8 homozygotes.

Submissions (2):

Labcorp Genetics (formerly Invitae), Labcorp
Classification: Benign. Last evaluated: 2026-02-01. Review status: criteria provided, single submitter. Criteria: Invitae Variant Classification Sherloc (09022015). Collection method: clinical testing. Allele origin: germline.

PreventionGenetics, part of Exact Sciences
Classification: Benign for PCGF2-related condition. Last evaluated: 2019-07-30. Review status: no assertion criteria provided. Collection method: clinical testing. Allele origin: germline. Not counted in ClinVar's aggregate classification.
Comment: This variant is classified as benign based on ACMG/AMP sequence variant interpretation guidelines (Richards et al. 2015 PMID: 25741868, with internal and published modifications).

NM_007144.3(PCGF2):c.210-10T>C

Gene: PCGF2 (polycomb group ring finger 2; minus strand). Cytogenetic location: 17q12.
Variant type: single nucleotide variant.
Coding change: c.210-10T>C on transcript NM_007144.3 (MANE Select); 10 bases into the intron before coding-DNA position 210, T replaced by C.
Molecular consequence: intron variant.
Genome position (GRCh38, 1-based): chr17:38,739,263, A>G on the plus strand (T>C on the coding strand, the complement: PCGF2 is on the minus strand). VCF-style: chr17-38739263-A-G. GRCh37 (hg19) VCF-style: chr17-36895516-A-G.
Other names: c.210-10T>C (NM_007144.2, NM_001369614.1, NM_001369615.1).
Identifiers: ClinVar variation 1569456 (VCV001569456.10), dbSNP rs146768937, ClinGen allele CA8525092.